The following is an entry in ClinVar:

ClinVar aggregate classification (germline): Uncertain significance. Review status: criteria provided, multiple submitters, no conflicts (2 of 4 stars). 2 submissions from 2 submitters: Uncertain significance (2). Last evaluated 2025-10-14.

Conditions:
Hypertrophic cardiomyopathy. Also called: HYPERTROPHIC MYOCARDIOPATHY. Identifiers: Orphanet 217569, MedGen C0007194, MeSH D002312, MONDO:0005045, HP:0001639.

Allele frequency attached by ClinVar (database versions not stated): gnomAD exomes below 0.00001; TOPMed below 0.00001; ExAC 0.00001.

Submissions (2):

Labcorp Genetics (formerly Invitae), Labcorp
Classification: Uncertain significance for Hypertrophic cardiomyopathy. Last evaluated: 2025-10-14. Review status: criteria provided, single submitter. Criteria: Invitae Variant Classification Sherloc (09022015). Collection method: clinical testing. Allele origin: germline.
Comment: This sequence change replaces asparagine, which is neutral and polar, with serine, which is neutral and polar, at codon 1051 of the MYBPC3 protein (p.Asn1051Ser). This variant is present in population databases (rs772151277, gnomAD 0.007%). This variant has not been reported in the literature in individuals affected with MYBPC3-related conditions. ClinVar contains an entry for this variant (Variation ID: 654876). An algorithm developed to predict the effect of missense changes on protein structure and function outputs the following: PolyPhen-2: "Benign". The serine amino acid residue is found in multiple mammalian species, which suggests that this missense change does not adversely affect protein function. In summary, the available evidence is currently insufficient to determine the role of this variant in disease. Therefore, it has been classified as a Variant of Uncertain Significance.

All of Us Research Program, National Institutes of Health
Classification: Uncertain significance for Hypertrophic cardiomyopathy. Last evaluated: 2023-12-13. Review status: criteria provided, single submitter. Criteria: ACMG Guidelines, 2015. Collection method: clinical testing. Allele origin: germline. Inheritance: Autosomal dominant inheritance. Observed: 2 variant alleles, 2 heterozygotes.
Comment: This missense variant replaces asparagine with serine at codon 1051 of the MYBPC3 protein. Computational prediction suggests that this variant may not impact protein structure and function. To our knowledge, functional studies have not been reported for this variant. This variant has not been reported in individuals affected with MYBPC3-related disorders in the literature. This variant has been identified in 1/240952 chromosomes in the general population by the Genome Aggregation Database (gnomAD). The available evidence is insufficient to determine the role of this variant in disease conclusively. Therefore, this variant is classified as a Variant of Uncertain Significance.

This study involves interpretation of variants in research participants for the purpose of population health screening. Participant phenotype was not available at the time of variant classification. Additional details can be found in publication PMID: 35346344, PMCID: PMC8962531

NM_000256.3(MYBPC3):c.3152A>G (p.Asn1051Ser)

Gene: MYBPC3 (myosin binding protein C3; minus strand). Cytogenetic location: 11p11.2.
Variant type: single nucleotide variant.
Coding change: c.3152A>G on transcript NM_000256.3 (MANE Select); coding-DNA position 3152, A replaced by G.
Protein change: p.Asn1051Ser; replaces asparagine 1051 with serine.
Molecular consequence: missense variant.
Genome position (GRCh38, 1-based): chr11:47,333,595, T>C on the plus strand (A>G on the coding strand, the complement: MYBPC3 is on the minus strand). VCF-style: chr11-47333595-T-C. GRCh37 (hg19) VCF-style: chr11-47355146-T-C.
Other names: c.3152A>G, p.Asn1051Ser (LRG_386t1); short protein forms N1051S.
Identifiers: ClinVar variation 654876 (VCV000654876.11), dbSNP rs772151277, ClinGen allele CA079166.